The following is an entry in ClinVar:

NM_001166114.2(PNPLA6):c.2344G>A (p.Ala782Thr)

Gene: PNPLA6 (patatin like domain 6, lysophospholipase; plus strand). Cytogenetic location: 19p13.2.
Variant type: single nucleotide variant.
Coding change: c.2344G>A on transcript NM_001166114.2 (MANE Select); coding-DNA position 2344, G replaced by A.
Protein change: p.Ala782Thr; replaces alanine 782 with threonine.
Molecular consequence: missense variant.
Genome position (GRCh38, 1-based): chr19:7,553,958, G>A. VCF-style: chr19-7553958-G-A. GRCh37 (hg19) VCF-style: chr19-7618844-G-A.
Other names: c.2374G>A, p.Ala792Thr (NM_001166111.2); c.2149G>A, p.Ala717Thr (NM_001166112.2); c.2230G>A, p.Ala744Thr (NM_001166113.1, NM_006702.5); short protein forms A717T, A792T, A782T, A744T.
Identifiers: ClinVar variation 892639 (VCV000892639.7), dbSNP rs1354212753, ClinGen allele CA403126662.

ClinVar aggregate classification (germline): Uncertain significance. Review status: criteria provided, multiple submitters, no conflicts (2 of 4 stars). 2 submissions from 2 submitters: Uncertain significance (2). Last evaluated 2025-08-21.

Conditions:
Hereditary spastic paraplegia 39 (SPG39). Also called: SPASTIC PARAPLEGIA 39, AUTOSOMAL RECESSIVE; Spastic Paraplegia Type 39 (SPG39). Identifiers: Orphanet 139480, MedGen C2677586, MONDO:0012787, OMIM 612020.

Allele frequency attached by ClinVar (database versions not stated): gnomAD 0.00001; TOPMed 0.00001; gnomAD exomes 0.00002.
gnomAD v4.1: 25 of 1,614,070 alleles (0.0015%); highest among the groups gnomAD compares: Non-Finnish European, 0.002%; no homozygotes.

Submissions (2):

Labcorp Genetics (formerly Invitae), Labcorp
Classification: Uncertain significance for Hereditary spastic paraplegia 39. Last evaluated: 2025-08-21. Review status: criteria provided, single submitter. Criteria: Invitae Variant Classification Sherloc (09022015). Collection method: clinical testing. Allele origin: germline.
Comment: This sequence change replaces alanine, which is neutral and non-polar, with threonine, which is neutral and polar, at codon 744 of the PNPLA6 protein (p.Ala744Thr). This variant is present in population databases (no rsID available, gnomAD 0.007%). This variant has not been reported in the literature in individuals affected with PNPLA6-related conditions. ClinVar contains an entry for this variant (Variation ID: 892639). Invitae Evidence Modeling of protein sequence and biophysical properties (such as structural, functional, and spatial information, amino acid conservation, physicochemical variation, residue mobility, and thermodynamic stability) indicates that this missense variant is not expected to disrupt PNPLA6 protein function with a negative predictive value of 80%. In summary, the available evidence is currently insufficient to determine the role of this variant in disease. Therefore, it has been classified as a Variant of Uncertain Significance.

Illumina Laboratory Services, Illumina
Classification: Uncertain significance for Hereditary spastic paraplegia 39. Last evaluated: 2018-03-23. Review status: criteria provided, single submitter. Criteria: ICSL Variant Classification Criteria 13 December 2019. Collection method: clinical testing. Allele origin: germline.